The following is an entry in ClinVar:

ClinVar aggregate classification (germline): Uncertain significance (1 of 4 stars; one submission).

Submission:

Mayo Clinic Laboratories, Mayo Clinic
Classification: Uncertain significance. Last evaluated: 2023-08-10. Review status: criteria provided, single submitter. Criteria: ACMG Guidelines, 2015. Collection method: clinical testing. Allele origin: germline. Observed: 1 variant allele.
Comment: BP4, PM2_moderate

NM_001498.4(GCLC):c.1036A>G (p.Ile346Val)

Gene: GCLC (glutamate-cysteine ligase catalytic subunit; minus strand). Cytogenetic location: 6p12.1.
Variant type: single nucleotide variant.
Coding change: c.1036A>G on transcript NM_001498.4 (MANE Select); coding-DNA position 1036, A replaced by G.
Protein change: p.Ile346Val; replaces isoleucine 346 with valine.
Molecular consequence: missense variant.
Genome position (GRCh38, 1-based): chr6:53,507,528, T>C on the plus strand (A>G on the coding strand, the complement: GCLC is on the minus strand). VCF-style: chr6-53507528-T-C. GRCh37 (hg19) VCF-style: chr6-53372326-T-C.
Other names: p.Ile346Val; c.922A>G, p.Ile308Val (NM_001197115.2); short protein forms I308V, I346V.
Identifiers: ClinVar variation 3379684 (VCV003379684.1).
Genomic context (GRCh38, chr6:53,507,528, plus strand): 5'-GTAGAAACCCACCTTCCTGCAACAGCTGTTCGTAGATCTCTTTATCTATCGTCAAGTCGA[T>C]GTCATTATATTTCTCACCACACTTAGATAAATAGCTGTCTATTGAGTCATATCGGGATTT-3'
Protein context (NP_001489.1, residues 336-356): LSKCGEKYND[Ile346Val]DLTIDKEIYE